The following is an entry in ClinVar:

NM_014225.6(PPP2R1A):c.680C>T (p.Ala227Val)

Gene: PPP2R1A (protein phosphatase 2 scaffold subunit Aalpha; plus strand). Cytogenetic location: 19q13.41.
Variant type: single nucleotide variant.
Coding change: c.680C>T on transcript NM_014225.6 (MANE Select); coding-DNA position 680, C replaced by T.
Protein change: p.Ala227Val; replaces alanine 227 with valine.
Molecular consequence: missense variant. On other transcripts: non-coding transcript variant (1).
Genome position (GRCh38, 1-based): chr19:52,212,983, C>T. VCF-style: chr19-52212983-C-T. GRCh37 (hg19) VCF-style: chr19-52716236-C-T.
Other names: c.143C>T, p.Ala48Val (NM_001363656.2); short protein forms A48V, A227V.
Identifiers: ClinVar variation 1412337 (VCV001412337.8), dbSNP rs945817997, ClinGen allele CA309866121.

ClinVar aggregate classification (germline): Uncertain significance (1 of 4 stars; one submission).

Allele frequency attached by ClinVar (database versions not stated): gnomAD 0.00001; TOPMed 0.00002.
gnomAD v4.1: 13 of 1,607,080 alleles (0.00081%); highest among the groups gnomAD compares: East Asian, 0.0022%; no homozygotes.

Submission:

Labcorp Genetics (formerly Invitae), Labcorp
Classification: Uncertain significance. Last evaluated: 2021-07-19. Review status: criteria provided, single submitter. Criteria: Invitae Variant Classification Sherloc (09022015). Collection method: clinical testing. Allele origin: germline.
Comment: In summary, the available evidence is currently insufficient to determine the role of this variant in disease. Therefore, it has been classified as a Variant of Uncertain Significance. Algorithms developed to predict the effect of sequence changes on RNA splicing suggest that this variant may create or strengthen a splice site, but this prediction has not been confirmed by published transcriptional studies. Algorithms developed to predict the effect of missense changes on protein structure and function (SIFT, PolyPhen-2, Align-GVGD) all suggest that this variant is likely to be tolerated, but these predictions have not been confirmed by published functional studies and their clinical significance is uncertain. This variant has not been reported in the literature in individuals with PPP2R1A-related disease. This variant is not present in population databases (ExAC no frequency). This sequence change replaces alanine with valine at codon 227 of the PPP2R1A protein (p.Ala227Val). The alanine residue is highly conserved and there is a small physicochemical difference between alanine and valine.